The following is an entry in ClinVar:

NM_022765.4(MICAL1):c.1049A>C (p.Glu350Ala)

Gene: MICAL1 (microtubule associated monooxygenase, calponin and LIM domain containing 1; minus strand). Cytogenetic location: 6q21.
Variant type: single nucleotide variant.
Coding change: c.1049A>C on transcript NM_022765.4 (MANE Select); coding-DNA position 1049, A replaced by C.
Protein change: p.Glu350Ala; replaces glutamic acid 350 with alanine.
Molecular consequence: missense variant. On other transcripts: intron variant (1).
Genome position (GRCh38, 1-based): chr6:109,450,442, T>G on the plus strand (A>C on the coding strand, the complement: MICAL1 is on the minus strand). VCF-style: chr6-109450442-T-G. GRCh37 (hg19) VCF-style: chr6-109771645-T-G.
Other names: c.1106A>C, p.Glu369Ala (NM_001286613.2); c.934-357A>C (NM_001159291.2); short protein forms E350A, E369A.
Identifiers: ClinVar variation 4722645 (VCV004722645.1).

ClinVar aggregate classification (germline): Uncertain significance (1 of 4 stars; one submission).

Submission:

Labcorp Genetics (formerly Invitae), Labcorp
Classification: Uncertain significance. Last evaluated: 2025-07-07. Review status: criteria provided, single submitter. Criteria: Invitae Variant Classification Sherloc (09022015). Collection method: clinical testing. Allele origin: germline.
Comment: This sequence change replaces glutamic acid, which is acidic and polar, with alanine, which is neutral and non-polar, at codon 369 of the MICAL1 protein (p.Glu369Ala). This variant is not present in population databases (gnomAD no frequency). This variant has not been reported in the literature in individuals affected with MICAL1-related conditions. An algorithm developed to predict the effect of missense changes on protein structure and function (PolyPhen-2) suggests that this variant is likely to be disruptive. In summary, the available evidence is currently insufficient to determine the role of this variant in disease. Therefore, it has been classified as a Variant of Uncertain Significance.